The following is an entry in ClinVar:

NM_004656.4(BAP1):c.1418G>T (p.Ser473Ile)

Gene: BAP1 (BRCA1 associated deubiquitinase 1; minus strand). Cytogenetic location: 3p21.1.
Variant type: single nucleotide variant.
Coding change: c.1418G>T on transcript NM_004656.4 (MANE Select); coding-DNA position 1418, G replaced by T.
Protein change: p.Ser473Ile; replaces serine 473 with isoleucine.
Molecular consequence: missense variant.
Genome position (GRCh38, 1-based): chr3:52,403,727, C>A on the plus strand (G>T on the coding strand, the complement: BAP1 is on the minus strand). VCF-style: chr3-52403727-C-A. GRCh37 (hg19) VCF-style: chr3-52437743-C-A.
Other names: c.1364G>T, p.Ser455Ile (NM_001410772.1); short protein forms S455I, S473I.
Identifiers: ClinVar variation 4620824 (VCV004620824.1).

ClinVar aggregate classification (germline): Uncertain significance (1 of 4 stars; one submission).

Conditions:
Hereditary cancer-predisposing syndrome. Also called: Neoplastic Syndromes, Hereditary; Tumor predisposition; Hereditary Cancer Syndrome; Hereditary neoplastic syndrome. Identifiers: Orphanet 140162, MedGen C0027672, MeSH D009386, MONDO:0015356.

Submission:

Ambry Genetics
Classification: Uncertain significance for Hereditary cancer-predisposing syndrome. Last evaluated: 2025-12-01. Review status: criteria provided, single submitter. Criteria: Ambry Variant Classification Scheme 2023. Collection method: clinical testing. Allele origin: germline.
Comment: The p.S473I variant (also known as c.1418G>T), located in coding exon 13 of the BAP1 gene, results from a G to T substitution at nucleotide position 1418. The serine at codon 473 is replaced by isoleucine, an amino acid with dissimilar properties. This amino acid position is conserved. In addition, the in silico prediction for this alteration is inconclusive. Based on the available evidence, the clinical significance of this variant remains unclear.